The following is an entry in ClinVar:

NM_004991.4(MECOM):c.2264C>A (p.Thr755Asn)

Gene: MECOM (MDS1 and EVI1 complex locus; minus strand). Cytogenetic location: 3q26.2.
Variant type: single nucleotide variant.
Coding change: c.2264C>A on transcript NM_004991.4 (MANE Select); coding-DNA position 2264, C replaced by A.
Protein change: p.Thr755Asn; replaces threonine 755 with asparagine.
Molecular consequence: missense variant.
Genome position (GRCh38, 1-based): chr3:169,115,608, G>T on the plus strand (C>A on the coding strand, the complement: MECOM is on the minus strand). VCF-style: chr3-169115608-G-T. GRCh37 (hg19) VCF-style: chr3-168833396-G-T.
Other names: c.1895C>A, p.Thr632Asn (NM_001105077.4); c.1700C>A, p.Thr567Asn (NM_001105078.4, NM_001164000.2, NM_001205194.2 and 4 more transcripts); c.1703C>A, p.Thr568Asn (NM_001163999.2, NM_001366467.2, NM_001366468.2 and 1 more transcripts); c.2264C>A, p.Thr755Asn (NM_001366466.2); c.1292C>A, p.Thr431Asn (NM_001366473.2); c.728C>A, p.Thr243Asn (NM_001366474.2); short protein forms T567N, T568N, T632N, T431N, T243N, T755N.
Identifiers: ClinVar variation 4053143 (VCV004053143.1).
Genomic context (GRCh38, chr3:169,115,608, plus strand): 5'-AGATCCAGGGGCTGGTCTTGGCTTGTGGCAGGTGTCACTGGAGGCTTGGAGGGGACTGGA[G>T]TCAAGGGCTTCTCATCCTTTCGCTTAGTGGTGAGATCAAAGGGGGACTCAGAGCTGCCCT-3'
Protein context (NP_004982.2, residues 745-765): TTKRKDEKPL[Thr755Asn]PVPSKPPVTP

ClinVar aggregate classification (germline): Uncertain significance (1 of 4 stars; one submission).

Conditions:
Inborn genetic diseases. Identifiers: MedGen C0950123, MeSH D030342.

gnomAD v4.1: 1 of 1,614,026 alleles (0.000062%); highest among the groups gnomAD compares: African/African-American, 0.0013%; no homozygotes.

Submission:

Ambry Genetics
Classification: Uncertain significance for Inborn genetic diseases. Last evaluated: 2025-04-04. Review status: criteria provided, single submitter. Criteria: Ambry Variant Classification Scheme 2023. Collection method: clinical testing. Allele origin: germline.
Comment: The p.T755N variant (also known as c.2264C>A), located in coding exon 8 of the MECOM gene, results from a C to A substitution at nucleotide position 2264. The threonine at codon 755 is replaced by asparagine, an amino acid with similar properties. This amino acid position is conserved. In addition, this alteration is predicted to be tolerated by in silico analysis. Based on the available evidence, the clinical significance of this variant remains unclear.